The following is an entry in ClinVar:

NM_017763.6(RNF43):c.2305C>T (p.Pro769Ser)

Gene: RNF43 (ring finger protein 43; minus strand). Cytogenetic location: 17q22.
Variant type: single nucleotide variant.
Coding change: c.2305C>T on transcript NM_017763.6 (MANE Select); coding-DNA position 2305, C replaced by T.
Protein change: p.Pro769Ser; replaces proline 769 with serine.
Molecular consequence: missense variant.
Genome position (GRCh38, 1-based): chr17:58,357,471, G>A on the plus strand (C>T on the coding strand, the complement: RNF43 is on the minus strand). VCF-style: chr17-58357471-G-A. GRCh37 (hg19) VCF-style: chr17-56434832-G-A.
Other names: c.2305C>T, p.Pro769Ser (NM_001305544.3); c.1924C>T, p.Pro642Ser (NM_001305545.2); short protein forms P769S, P642S.
Identifiers: ClinVar variation 1039598 (VCV001039598.8), dbSNP rs769450192, ClinGen allele CA400385381.

ClinVar aggregate classification (germline): Uncertain significance (1 of 4 stars; one submission).

Submission:

Labcorp Genetics (formerly Invitae), Labcorp
Classification: Uncertain significance. Last evaluated: 2025-10-01. Review status: criteria provided, single submitter. Criteria: Invitae Variant Classification Sherloc (09022015). Collection method: clinical testing. Allele origin: germline.
Comment: This sequence change replaces proline, which is neutral and non-polar, with serine, which is neutral and polar, at codon 769 of the RNF43 protein (p.Pro769Ser). This variant is not present in population databases (gnomAD no frequency). This variant has not been reported in the literature in individuals affected with RNF43-related conditions. ClinVar contains an entry for this variant (Variation ID: 1039598). An algorithm developed to predict the effect of missense changes on protein structure and function (PolyPhen-2) suggests that this variant is likely to be tolerated. In summary, the available evidence is currently insufficient to determine the role of this variant in disease. Therefore, it has been classified as a Variant of Uncertain Significance.